The following is an entry in ClinVar:

ClinVar aggregate classification (germline): Uncertain significance (1 of 4 stars; one submission).

Allele frequency attached by ClinVar (database versions not stated): gnomAD 0.00001 and 0.00002; ExAC 0.00003.
gnomAD v4.1: 20 of 1,614,024 alleles (0.0012%); highest among the groups gnomAD compares: Admixed American, 0.033%; no homozygotes.

Submission:

Labcorp Genetics (formerly Invitae), Labcorp
Classification: Uncertain significance. Last evaluated: 2025-04-17. Review status: criteria provided, single submitter. Criteria: Invitae Variant Classification Sherloc (09022015). Collection method: clinical testing. Allele origin: germline.
Comment: This sequence change replaces serine, which is neutral and polar, with cysteine, which is neutral and slightly polar, at codon 2692 of the VCAN protein (p.Ser2692Cys). This variant is present in population databases (rs533964625, gnomAD 0.05%), and has an allele count higher than expected for a pathogenic variant. This variant has not been reported in the literature in individuals affected with VCAN-related conditions. ClinVar contains an entry for this variant (Variation ID: 1371563). An algorithm developed to predict the effect of missense changes on protein structure and function (PolyPhen-2) suggests that this variant is likely to be disruptive. In summary, the available evidence is currently insufficient to determine the role of this variant in disease. Therefore, it has been classified as a Variant of Uncertain Significance.

NM_004385.5(VCAN):c.8075C>G (p.Ser2692Cys)

Genes: VCAN (versican; plus strand), VCAN-AS1 (VCAN antisense RNA 1; minus strand). Cytogenetic location: 5q14.3.
Variant type: single nucleotide variant.
Coding change: c.8075C>G on transcript NM_004385.5 (MANE Select); coding-DNA position 8075, C replaced by G.
Protein change: p.Ser2692Cys; replaces serine 2692 with cysteine.
Molecular consequence: missense variant. On other transcripts: intron variant (2).
Genome position (GRCh38, 1-based): chr5:83,541,078, C>G. VCF-style: chr5-83541078-C-G. GRCh37 (hg19) VCF-style: chr5-82836897-C-G.
Other names: c.5114C>G, p.Ser1705Cys (NM_001164097.2); c.4004-4459C>G (NM_001164098.2); c.1043-4459C>G (NM_001126336.3); short protein forms S1705C, S2692C.
Identifiers: ClinVar variation 1371563 (VCV001371563.6), dbSNP rs533964625, ClinGen allele CA3333745.
Genomic context (GRCh38, chr5:83,541,078, plus strand): 5'-CTGGGATCCCTGCTCCTAGCACAGAAACAGAATTAGACGTTTTACTTCCCACGGCAACAT[C>G]CCTGCCAATTCCTCGTAAGTCTGCCACAGTTATTCCAGAGATTGAAGGAATAAAAGCTGA-3'
Protein context (NP_004376.2, residues 2682-2702): ELDVLLPTAT[Ser2692Cys]LPIPRKSATV